The following is an entry in ClinVar:

ClinVar aggregate classification (germline): Uncertain significance (1 of 4 stars; one submission).

Submission:

GeneDx
Classification: Uncertain significance. Last evaluated: 2025-09-02. Review status: criteria provided, single submitter. Criteria: GeneDx Variant Classification Process June 2021. Collection method: clinical testing. Allele origin: germline. Affected: yes.
Comment: Not observed at significant frequency in large population cohorts (gnomAD); In silico analysis suggests that this variant does not alter splicing; Has not been previously published as pathogenic or benign to our knowledge

NM_212482.4(FN1):c.1547-9C>G

Genes: FN1 (fibronectin 1; minus strand), LOC122861289 (Sharpr-MPRA regulatory region 10603; plus strand). Cytogenetic location: 2q35.
Variant type: single nucleotide variant.
Coding change: c.1547-9C>G on transcript NM_212482.4 (MANE Select); 9 bases into the intron before coding-DNA position 1547, C replaced by G.
Molecular consequence: intron variant.
Genome position (GRCh38, 1-based): chr2:215,420,810, G>C on the plus strand (C>G on the coding strand, the complement: FN1 is on the minus strand). VCF-style: chr2-215420810-G-C. GRCh37 (hg19) VCF-style: chr2-216285533-G-C.
Other names: c.1547-9C>G (NM_212474.3, NM_001306132.2, NM_001365523.2 and 14 more transcripts).
Identifiers: ClinVar variation 4812930 (VCV004812930.1).
Genomic context (GRCh38, chr2:215,420,810, plus strand): 5'-TTGTGGAATGTGTCGTTCACATTGTAAGTGATGTCATCAACAATGCACTGATCTGTTTAG[G>C]AAACAGGTGGGTGAGTGAGAAACTTTTTAAAGTTCCATTGATGAAAGAAAAAAGGTATGC-3'